The following is an entry in ClinVar:

ClinVar aggregate classification (germline): Uncertain significance. Review status: criteria provided, multiple submitters, no conflicts (2 of 4 stars). 2 submissions from 2 submitters: Uncertain significance (2). Last evaluated 2025-02-02.

Allele frequency attached by ClinVar (database versions not stated): gnomAD exomes below 0.00001.
gnomAD v4.1: 1 of 1,614,010 alleles (0.000062%); highest among the groups gnomAD compares: Non-Finnish European, 0.000085%; no homozygotes.

Submissions (2):

Ambry Genetics
Classification: Uncertain significance. Last evaluated: 2025-02-02. Review status: criteria provided, single submitter. Criteria: Ambry Variant Classification Scheme 2023. Collection method: clinical testing. Allele origin: germline.
Comment: The p.Q703H variant (also known as c.2109G>C), located in coding exon 14 of the RINT1 gene, results from a G to C substitution at nucleotide position 2109. The glutamine at codon 703 is replaced by histidine, an amino acid with highly similar properties. This amino acid position is conserved. In addition, this alteration is predicted to be deleterious by in silico analysis. Based on the available evidence, the clinical significance of this variant remains unclear.

Labcorp Genetics (formerly Invitae), Labcorp
Classification: Uncertain significance. Last evaluated: 2022-04-22. Review status: criteria provided, single submitter. Criteria: Invitae Variant Classification Sherloc (09022015). Collection method: clinical testing. Allele origin: germline.
Comment: In summary, the available evidence is currently insufficient to determine the role of this variant in disease. Therefore, it has been classified as a Variant of Uncertain Significance. Algorithms developed to predict the effect of missense changes on protein structure and function are either unavailable or do not agree on the potential impact of this missense change (SIFT: "Deleterious"; PolyPhen-2: "Probably Damaging"; Align-GVGD: "Class C0"). This variant has not been reported in the literature in individuals affected with RINT1-related conditions. This variant is not present in population databases (gnomAD no frequency). This sequence change replaces glutamine, which is neutral and polar, with histidine, which is basic and polar, at codon 703 of the RINT1 protein (p.Gln703His).

NM_021930.6(RINT1):c.2109G>C (p.Gln703His)

Genes: EFCAB10 (EF-hand calcium binding domain 10; minus strand), RINT1 (RAD50 interactor 1; plus strand). Cytogenetic location: 7q22.3.
Variant type: single nucleotide variant.
Coding change: c.2109G>C on transcript NM_021930.6 (MANE Select); coding-DNA position 2109, G replaced by C.
Protein change: p.Gln703His; replaces glutamine 703 with histidine.
Molecular consequence: missense variant. On other transcripts: non-coding transcript variant (1), intron variant (2).
Genome position (GRCh38, 1-based): chr7:105,565,571, G>C. VCF-style: chr7-105565571-G-C. GRCh37 (hg19) VCF-style: chr7-105206018-G-C.
Other names: c.428C>G, p.Ala143Gly (NM_001355530.2); c.1875G>C, p.Gln625His (NM_001346599.2); c.1086G>C, p.Gln362His (NM_001346600.2, NM_001346603.2); c.1185G>C, p.Gln395His (NM_001346601.2); c.360-124C>G (NM_001355531.2); c.384-124C>G (NM_001355526.2); c.2109G>C (NM_021930.4); short protein forms Q395H, Q703H, A143G, Q625H, Q362H.
Identifiers: ClinVar variation 2196729 (VCV002196729.5), dbSNP rs2485186608, ClinGen allele CA368815140.